The following is an entry in ClinVar:

NM_017649.5(CNNM2):c.2251C>A (p.Pro751Thr)

Gene: CNNM2 (cyclin and CBS domain divalent metal cation transport mediator 2; plus strand). Cytogenetic location: 10q24.32.
Variant type: single nucleotide variant.
Coding change: c.2251C>A on transcript NM_017649.5 (MANE Select); coding-DNA position 2251, C replaced by A.
Protein change: p.Pro751Thr; replaces proline 751 with threonine.
Molecular consequence: missense variant.
Genome position (GRCh38, 1-based): chr10:103,076,103, C>A. VCF-style: chr10-103076103-C-A. GRCh37 (hg19) VCF-style: chr10-104835860-C-A.
Other names: c.2185C>A, p.Pro729Thr (NM_199076.3); short protein forms P729T, P751T.
Identifiers: ClinVar variation 3367784 (VCV003367784.1).

ClinVar aggregate classification (germline): Uncertain significance (1 of 4 stars; one submission).

gnomAD v4.1: 1 of 1,611,870 alleles (0.000062%); highest among the groups gnomAD compares: Non-Finnish European, 0.000085%; no homozygotes.

Submission:

GeneDx
Classification: Uncertain significance. Last evaluated: 2024-01-12. Review status: criteria provided, single submitter. Criteria: GeneDx Variant Classification Process June 2021. Collection method: clinical testing. Allele origin: germline. Affected: yes.
Comment: Not observed at significant frequency in large population cohorts (gnomAD); In silico analysis supports that this missense variant has a deleterious effect on protein structure/function; Has not been previously published as pathogenic or benign to our knowledge